The following is an entry in ClinVar:

ClinVar aggregate classification (germline): Uncertain significance (1 of 4 stars; one submission).

Allele frequency attached by ClinVar (database versions not stated): gnomAD exomes below 0.00001; TOPMed below 0.00001; ExAC 0.00001; gnomAD 0.00001.
gnomAD v4.1: 2 of 1,612,914 alleles (0.00012%); highest among the groups gnomAD compares: East Asian, 0.0045%; no homozygotes.

Submission:

Labcorp Genetics (formerly Invitae), Labcorp
Classification: Uncertain significance. Last evaluated: 2022-05-21. Review status: criteria provided, single submitter. Criteria: Invitae Variant Classification Sherloc (09022015). Collection method: clinical testing. Allele origin: germline.
Comment: In summary, the available evidence is currently insufficient to determine the role of this variant in disease. Therefore, it has been classified as a Variant of Uncertain Significance. Algorithms developed to predict the effect of missense changes on protein structure and function (SIFT, PolyPhen-2, Align-GVGD) all suggest that this variant is likely to be tolerated. This variant has not been reported in the literature in individuals affected with SLCO5A1-related conditions. This variant is present in population databases (rs770348670, gnomAD 0.01%). This sequence change replaces proline, which is neutral and non-polar, with threonine, which is neutral and polar, at codon 86 of the SLCO5A1 protein (p.Pro86Thr).

NM_030958.3(SLCO5A1):c.256C>A (p.Pro86Thr)

Gene: SLCO5A1 (solute carrier organic anion transporter family member 5A1; minus strand). Cytogenetic location: 8q13.3.
Variant type: single nucleotide variant.
Coding change: c.256C>A on transcript NM_030958.3 (MANE Select); coding-DNA position 256, C replaced by A.
Protein change: p.Pro86Thr; replaces proline 86 with threonine.
Molecular consequence: missense variant.
Genome position (GRCh38, 1-based): chr8:69,832,418, G>T on the plus strand (C>A on the coding strand, the complement: SLCO5A1 is on the minus strand). VCF-style: chr8-69832418-G-T. GRCh37 (hg19) VCF-style: chr8-70744653-G-T.
Other names: c.256C>A, p.Pro86Thr (NM_001146008.2, NM_001146009.1); short protein forms P86T.
Identifiers: ClinVar variation 1908985 (VCV001908985.5), dbSNP rs770348670, ClinGen allele CA4776845.
Genomic context (GRCh38, chr8:69,832,418, plus strand): 5'-AGAAGGTTTTGCTGAGGTCCACCCTGTGGTTACAGTCCCCGAGCCCCGCCGAAGTGGACG[G>T]GGCAGAGGGACTGGGGGCCAACGGGTTCGGGCCTTGCTTCAACTCCTGGTGGCCCGAAGA-3'
Protein context (NP_112220.2, residues 76-96): PNPLAPSPSA[Pro86Thr]STSAGLGDCN